The following is an entry in ClinVar:

NM_005562.3(LAMC2):c.*749G>A

Gene: LAMC2 (laminin subunit gamma 2; plus strand). Cytogenetic location: 1q25.3.
Variant type: single nucleotide variant.
Coding change: c.*749G>A on transcript NM_005562.3 (MANE Select); 749 bases downstream of the stop codon, G replaced by A.
Molecular consequence: 3 prime UTR variant.
Genome position (GRCh38, 1-based): chr1:183,244,149, G>A. VCF-style: chr1-183244149-G-A. GRCh37 (hg19) VCF-style: chr1-183213284-G-A.
Identifiers: ClinVar variation 294033 (VCV000294033.5), dbSNP rs146315432, ClinGen allele CA10608976.

ClinVar aggregate classification (germline): Benign (1 of 4 stars; one submission).

Conditions:
Junctional epidermolysis bullosa. Identifiers: Orphanet 305, MedGen C0079301, MONDO:0017612.

Allele frequency attached by ClinVar (database versions not stated): gnomAD 0.00613 and 0.00571; TOPMed 0.00669; 1000 Genomes Project 30x 0.00671; 1000 Genomes Project 0.00659.

Submission:

Illumina Laboratory Services, Illumina
Classification: Benign for Junctional epidermolysis bullosa. Last evaluated: 2018-01-12. Review status: criteria provided, single submitter. Criteria: ICSL Variant Classification Criteria 13 December 2019. Collection method: clinical testing. Allele origin: germline.
Comment: This variant was observed in the ICSL laboratory as part of a predisposition screen in an ostensibly healthy population. It had not been previously curated by ICSL or reported in the Human Gene Mutation Database (HGMD: prior to June 1st, 2018), and was therefore a candidate for classification through an automated scoring system. Utilizing variant allele frequency, disease prevalence and penetrance estimates, and inheritance mode, an automated score was calculated to assess if this variant is too frequent to cause the disease. Based on the score and internal cut-off values, a variant classified as benign is not then subjected to further curation. The score for this variant resulted in a classification of benign for this disease.